The following is an entry in ClinVar:

NM_001136191.3(KANK2):c.311G>C (p.Gly104Ala)

Gene: KANK2 (KN motif and ankyrin repeat domains 2; minus strand). Cytogenetic location: 19p13.2.
Variant type: single nucleotide variant.
Coding change: c.311G>C on transcript NM_001136191.3 (MANE Select); coding-DNA position 311, G replaced by C.
Protein change: p.Gly104Ala; replaces glycine 104 with alanine.
Molecular consequence: missense variant.
Genome position (GRCh38, 1-based): chr19:11,193,769, C>G on the plus strand (G>C on the coding strand, the complement: KANK2 is on the minus strand). VCF-style: chr19-11193769-C-G. GRCh37 (hg19) VCF-style: chr19-11304445-C-G.
Other names: c.311G>C, p.Gly104Ala (NM_001329451.2, NM_001379548.1, NM_001379549.1 and 15 more transcripts); c.311G>C (NM_015493.6); short protein forms G104A.
Identifiers: ClinVar variation 1902287 (VCV001902287.6), dbSNP rs563614728, ClinGen allele CA9206106.

ClinVar aggregate classification (germline): Likely benign. Review status: criteria provided, single submitter (1 of 4 stars). 2 submissions from 2 submitters: Likely benign (1). 1 of the submissions does not count toward it. Last evaluated 2025-04-14.

Conditions:
KANK2-related disorder. Also called: KANK2-related condition.

Allele frequency attached by ClinVar (database versions not stated): 1000 Genomes Project 30x 0.00031; 1000 Genomes Project 0.00040; ExAC 0.00053.
gnomAD v4.1: 314 of 1,612,760 alleles (0.019%); highest among the groups gnomAD compares: South Asian, 0.33%; 4 homozygotes.

Submissions (2):

Labcorp Genetics (formerly Invitae), Labcorp
Classification: Likely benign. Last evaluated: 2025-04-14. Review status: criteria provided, single submitter. Criteria: Invitae Variant Classification Sherloc (09022015). Collection method: clinical testing. Allele origin: germline.

PreventionGenetics, part of Exact Sciences
Classification: Likely benign for KANK2-related condition. Last evaluated: 2024-04-28. Review status: no assertion criteria provided. Collection method: clinical testing. Allele origin: germline. Not counted in ClinVar's aggregate classification.
Comment: This variant is classified as likely benign based on ACMG/AMP sequence variant interpretation guidelines (Richards et al. 2015 PMID: 25741868, with internal and published modifications).